The following is an entry in ClinVar:

NM_001039141.3(TRIOBP):c.5544C>G (p.Tyr1848Ter)

Genes: TRIOBP (TRIO and F-actin binding protein; plus strand), LOC126863145 (CDK7 strongly-dependent group 2 enhancer GRCh37_chr22:38150829-38152028; plus strand). Cytogenetic location: 22q13.1.
Variant type: single nucleotide variant.
Coding change: c.5544C>G on transcript NM_001039141.3 (MANE Select); coding-DNA position 5544, C replaced by G.
Protein change: p.Tyr1848Ter; replaces tyrosine 1848 with a stop codon.
Molecular consequence: nonsense.
Genome position (GRCh38, 1-based): chr22:37,755,157, C>G. VCF-style: chr22-37755157-C-G. GRCh37 (hg19) VCF-style: chr22-38151164-C-G.
Other names: c.405C>G, p.Tyr135Ter (NM_007032.5, NM_138632.2); short protein forms Y135*, Y1848*.
Identifiers: ClinVar variation 5017045 (VCV005017045.1).

ClinVar aggregate classification (germline): Likely pathogenic (1 of 4 stars; one submission).

Submission:

GeneDx
Classification: Likely pathogenic. Last evaluated: 2026-03-24. Review status: criteria provided, single submitter. Criteria: GeneDx Variant Classification Process June 2021. Collection method: clinical testing. Allele origin: germline.
Comment: Nonsense variant predicted to result in protein truncation or nonsense mediated decay in a gene for which loss of function is a known mechanism of disease; Not observed at significant frequency in large population cohorts (gnomAD); Has not been previously published as pathogenic or benign to our knowledge